The following is an entry in ClinVar:

ClinVar aggregate classification (germline): Uncertain significance. Review status: criteria provided, single submitter (1 of 4 stars). 2 submissions from 2 submitters: Uncertain significance (1). 1 of the submissions does not count toward it. Last evaluated 2021-08-31.

Conditions:
Autosomal recessive polycystic kidney disease (ARPKD). Also called: AR polycystic kidney disease. Identifiers: Orphanet 731, Orphanet 8378, MedGen C0085548, MeSH D017044, MONDO:0009889.

Submissions (2):

Labcorp Genetics (formerly Invitae), Labcorp
Classification: Uncertain significance for Autosomal recessive polycystic kidney disease. Last evaluated: 2021-08-31. Review status: criteria provided, single submitter. Criteria: Invitae Variant Classification Sherloc (09022015). Collection method: clinical testing. Allele origin: germline.
Comment: This sequence change replaces proline with arginine at codon 2757 of the PKHD1 protein (p.Pro2757Arg). The proline residue is highly conserved and there is a moderate physicochemical difference between proline and arginine. This variant is not present in population databases (ExAC no frequency). This variant has not been reported in the literature in individuals affected with PKHD1-related conditions. Algorithms developed to predict the effect of missense changes on protein structure and function are either unavailable or do not agree on the potential impact of this missense change (SIFT: "Deleterious"; PolyPhen-2: "Probably Damaging"; Align-GVGD: "Class C0"). In summary, the available evidence is currently insufficient to determine the role of this variant in disease. Therefore, it has been classified as a Variant of Uncertain Significance.

Natera, Inc.
Classification: Uncertain significance for Autosomal recessive polycystic kidney disease. Last evaluated: 2020-12-16. Review status: no assertion criteria provided. Collection method: clinical testing. Allele origin: germline. Not counted in ClinVar's aggregate classification.

NM_138694.4(PKHD1):c.8270C>G (p.Pro2757Arg)

Gene: PKHD1 (PKHD1 ciliary IPT domain containing fibrocystin/polyductin; minus strand). Cytogenetic location: 6p12.2.
Variant type: single nucleotide variant.
Coding change: c.8270C>G on transcript NM_138694.4 (MANE Select); coding-DNA position 8270, C replaced by G.
Protein change: p.Pro2757Arg; replaces proline 2757 with arginine.
Molecular consequence: missense variant.
Genome position (GRCh38, 1-based): chr6:51,830,893, G>C on the plus strand (C>G on the coding strand, the complement: PKHD1 is on the minus strand). VCF-style: chr6-51830893-G-C. GRCh37 (hg19) VCF-style: chr6-51695691-G-C.
Other names: c.8270C>G, p.Pro2757Arg (NM_170724.3); short protein forms P2757R.
Identifiers: ClinVar variation 458607 (VCV000458607.11), dbSNP rs1554263087, ClinGen allele CA364423215.
Genomic context (GRCh38, chr6:51,830,893, plus strand): 5'-GATTCATCTCTTGGGTAGTTTTACTCACTGGGTAAAATGAGAACGTCATCCCCAGGGCCT[G>C]GAATGGTATTGTTGTATCCTCCCCAGCCTTCTTCAACACCTTGCCATGTTTCAGGGAGGG-3'
Protein context (NP_619639.3, residues 2747-2767): EGWGGYNNTI[Pro2757Arg]GPGDDVLILP